The following is an entry in ClinVar:

ClinVar aggregate classification (germline): Uncertain significance (1 of 4 stars; one submission).

gnomAD v4.1: 1 of 1,610,714 alleles (0.000062%); highest among the groups gnomAD compares: Non-Finnish European, 0.000085%; no homozygotes.

Submission:

GeneDx
Classification: Uncertain significance. Last evaluated: 2025-02-05. Review status: criteria provided, single submitter. Criteria: GeneDx Variant Classification Process June 2021. Collection method: clinical testing. Allele origin: germline. Affected: yes.
Comment: Not observed at significant frequency in large population cohorts (gnomAD); In silico analysis supports that this missense variant has a deleterious effect on protein structure/function; Has not been previously published as pathogenic or benign to our knowledge

NM_198576.4(AGRN):c.4751C>A (p.Thr1584Asn)

Gene: AGRN (agrin; plus strand). Cytogenetic location: 1p36.33.
Variant type: single nucleotide variant.
Coding change: c.4751C>A on transcript NM_198576.4 (MANE Select); coding-DNA position 4751, C replaced by A.
Protein change: p.Thr1584Asn; replaces threonine 1584 with asparagine.
Molecular consequence: missense variant.
Genome position (GRCh38, 1-based): chr1:1,049,909, C>A. VCF-style: chr1-1049909-C-A. GRCh37 (hg19) VCF-style: chr1-985289-C-A.
Other names: c.4751C>A, p.Thr1584Asn (NM_001305275.2); c.4436C>A, p.Thr1479Asn (NM_001364727.2); short protein forms T1479N, T1584N.
Identifiers: ClinVar variation 4074383 (VCV004074383.1).